The following is an entry in ClinVar:

ClinVar aggregate classification (germline): Pathogenic (1 of 4 stars; one submission).

Conditions:
Charcot-Marie-Tooth disease, type I (CMT1). Also called: Charcot-Marie-Tooth, Type 1; Charcot-Marie-Tooth disease type 1. Identifiers: Orphanet 65753, MedGen C0751036, MONDO:0019011.

Submission:

Labcorp Genetics (formerly Invitae), Labcorp
Classification: Pathogenic for Charcot-Marie-Tooth disease, type I. Last evaluated: 2024-03-30. Review status: criteria provided, single submitter. Criteria: Invitae Variant Classification Sherloc (09022015). Collection method: clinical testing. Allele origin: germline.
Comment: This sequence change results in a frameshift in the MPZ gene (p.Pro205Glufs*46). While this is not anticipated to result in nonsense mediated decay, it is expected to disrupt the last 44 amino acid(s) of the MPZ protein and extend the protein by 1 additional amino acid residues. This variant is not present in population databases (gnomAD no frequency). This variant has not been reported in the literature in individuals affected with MPZ-related conditions. This variant disrupts a region of the MPZ protein in which other variant(s) (p.Lys236del) have been determined to be pathogenic (PMID: 12207932, 15716547). This suggests that this is a clinically significant region of the protein, and that variants that disrupt it are likely to be disease-causing. For these reasons, this variant has been classified as Pathogenic.

Literature cited by the submitters: PubMed 12207932; PubMed 15716547.

NM_000530.8(MPZ):c.613_616del (p.Pro205fs)

Gene: MPZ (myelin protein zero; minus strand). Cytogenetic location: 1q23.3.
Variant type: Deletion.
Coding change: c.613_616del on transcript NM_000530.8 (MANE Select); coding-DNA positions 613 to 616, 4 bases deleted (CCAG; older notation c.613_616delCCAG).
Protein change: p.Pro205fs; shifts the reading frame from proline 205.
Molecular consequence: frameshift variant.
Genome position (GRCh38, 1-based): chr1:161,306,137-161,306,140, CTGG deleted on the plus strand (CCAG on the coding strand, the reverse complement: MPZ is on the minus strand); deleting any 4 consecutive bases within chr1:161,306,137-161,306,142 gives the same sequence; the c. name uses the placement nearest the transcript's 3' end. VCF-style (leftmost placement, unchanged base first): chr1-161306136-CCTGG-C. GRCh37 (hg19) VCF-style: chr1-161275926-CCTGG-C.
Other names: c.613_616del, p.Pro205fs (NM_001315491.2); short protein forms P205fs.
Identifiers: ClinVar variation 3648193 (VCV003648193.2).